The following is an entry in ClinVar:

ClinVar aggregate classification (germline): Uncertain significance (1 of 4 stars; one submission).

Conditions:
Cardiovascular phenotype. Identifiers: MedGen CN230736.

Submission:

Ambry Genetics
Classification: Uncertain significance for Cardiovascular phenotype. Last evaluated: 2026-07-01. Review status: criteria provided, single submitter. Criteria: Ambry Variant Classification Scheme 2023. Collection method: clinical testing. Allele origin: germline.
Comment: The p.Q3601H variant (also known as c.10803G>C), located in coding exon 26 of the APOB gene, results from a G to C substitution at nucleotide position 10803. The glutamine at codon 3601 is replaced by histidine, an amino acid with highly similar properties. This amino acid position is conserved. In addition, this alteration is predicted to be tolerated by in silico analysis. Based on the available evidence, the clinical significance of this variant remains unclear.

NM_000384.3(APOB):c.10803G>C (p.Gln3601His)

Gene: APOB (apolipoprotein B; minus strand). Cytogenetic location: 2p24.1.
Variant type: single nucleotide variant.
Coding change: c.10803G>C on transcript NM_000384.3 (MANE Select); coding-DNA position 10803, G replaced by C.
Protein change: p.Gln3601His; replaces glutamine 3601 with histidine.
Molecular consequence: missense variant.
Genome position (GRCh38, 1-based): chr2:21,006,065, C>G on the plus strand (G>C on the coding strand, the complement: APOB is on the minus strand). VCF-style: chr2-21006065-C-G. GRCh37 (hg19) VCF-style: chr2-21228937-C-G.
Other names: short protein forms Q3601H.
Identifiers: ClinVar variation 5027074 (VCV005027074.1).